The following is an entry in ClinVar:

ClinVar aggregate classification (germline): Likely benign. Review status: criteria provided, multiple submitters, no conflicts (2 of 4 stars). 2 submissions from 2 submitters: Likely benign (2). Last evaluated 2025-03-20.

Conditions:
Juvenile polyposis/hereditary hemorrhagic telangiectasia syndrome (JPHT). Also called: JP/HHT SYNDROME; JUVENILE POLYPOSIS WITH HEREDITARY HEMORRHAGIC TELANGIECTASIA; POLYPOSIS, GENERALIZED JUVENILE, WITH PULMONARY ARTERIOVENOUS MALFORMATION; TELANGIECTASIA, HEREDITARY HEMORRHAGIC, WITH JUVENILE POLYPOSIS COLI; Juvenile Polyposis Syndrome / Hereditary Hemorrhagic Telangiectasia (JPS/HHT). Identifiers: Orphanet 2929, MedGen C1832942, MONDO:0008278, OMIM 175050.
Juvenile polyposis syndrome (JPS). Identifiers: Orphanet 2929, MedGen C0345893, MONDO:0017380, OMIM 174900.

Submissions (2):

Myriad Genetics, Inc.
Classification: Likely benign for Juvenile polyposis/hereditary hemorrhagic telangiectasia syndrome. Last evaluated: 2025-03-20. Review status: criteria provided, single submitter. Criteria: Myriad Autosomal Dominant, Autosomal Recessive and X-Linked Classification Criteria (2023). Collection method: clinical testing. Allele origin: unknown.
Comment: This variant is considered likely benign. This variant is intronic and is not expected to impact mRNA splicing.

Labcorp Genetics (formerly Invitae), Labcorp
Classification: Likely benign for Juvenile polyposis syndrome. Last evaluated: 2024-08-22. Review status: criteria provided, single submitter. Criteria: Invitae Variant Classification Sherloc (09022015). Collection method: clinical testing. Allele origin: germline.

NM_005359.6(SMAD4):c.904+8C>T

Gene: SMAD4 (SMAD family member 4; plus strand). Cytogenetic location: 18q21.2.
Variant type: single nucleotide variant.
Coding change: c.904+8C>T on transcript NM_005359.6 (MANE Select); 8 bases into the intron after coding-DNA position 904, C replaced by T.
Molecular consequence: intron variant.
Genome position (GRCh38, 1-based): chr18:51,058,464, C>T. VCF-style: chr18-51058464-C-T. GRCh37 (hg19) VCF-style: chr18-48584834-C-T.
Other names: c.904+8C>T (NM_001407042.1, NM_001407041.1, NM_001407043.1).
Identifiers: ClinVar variation 3663292 (VCV003663292.3).
Genomic context (GRCh38, chr18:51,058,464, plus strand): 5'-AAACGGCCATCTTCAGCACCACCCGCCTATGCCGCCCCATCCCGGACATTACTGTAAGCT[C>T]TTGTTTTTGTTGTAAGGGCTATTTTTTTTTTTTTTTTGGTAGGGCTTTGTTTTCTGTTTT-3'